The following is an entry in ClinVar:

NM_001083961.2(WDR62):c.2976G>A (p.Ser992=)

Gene: WDR62 (WD repeat domain 62; plus strand). Cytogenetic location: 19q13.12.
Variant type: single nucleotide variant.
Coding change: c.2976G>A on transcript NM_001083961.2 (MANE Select); coding-DNA position 2976, G replaced by A.
Protein change: p.Ser992=; no amino-acid change (serine 992 retained).
Molecular consequence: synonymous variant.
Genome position (GRCh38, 1-based): chr19:36,101,668, G>A. VCF-style: chr19-36101668-G-A. GRCh37 (hg19) VCF-style: chr19-36592570-G-A.
Other names: p.Ser992=; c.2976G>A, p.Ser992= (NM_173636.5).
Identifiers: ClinVar variation 195862 (VCV000195862.65), dbSNP rs757294519, ClinGen allele CA242525.
Genomic context (GRCh38, chr19:36,101,668, plus strand): 5'-CCTGGCTCACCAGAATGGTCAGGCTGTGGGCTCCTGACCCCGACTCTGTCCTTCAGACTC[G>A]GGGGAGTCAGAGGCCGACCTGGAGTGCAGCTTCGCAGCCATCCACTCCCCAGCTCCGCCT-3'
Protein context (NP_001077430.1, residues 982-1002): SPKDQSPPED[Ser992=]GESEADLECS

ClinVar aggregate classification (germline): Conflicting classifications of pathogenicity. Review status: criteria provided, conflicting classifications (1 of 4 stars). 9 submissions from 9 submitters: Uncertain significance (2); Benign (2); Likely benign (5). Last evaluated 2026-07-01.

Conditions:
Microcephaly 2, primary, autosomal recessive, with or without cortical malformations. Also called: MICROCEPHALY 2, PRIMARY, AUTOSOMAL RECESSIVE, WITH CORTICAL MALFORMATIONS; WDR62 Primary Microcephaly. Identifiers: Orphanet 2512, MedGen C1858535, MONDO:0011435, OMIM 604317.

Allele frequency attached by ClinVar (database versions not stated): 1000 Genomes Project 30x 0.00016; ExAC 0.00028; gnomAD 0.00035; gnomAD exomes 0.00060; TOPMed 0.00075.
gnomAD v4.1: 1,187 of 1,550,092 alleles (0.077%); highest among the groups gnomAD compares: Non-Finnish European, 0.093%; no homozygotes.

Submissions (11):

CeGaT Center for Human Genetics Tuebingen
Classification: Likely benign. Last evaluated: 2026-07-01. Review status: criteria provided, single submitter. Criteria: CeGaT Center For Human Genetics Tuebingen Variant Classification Criteria Version 2. Collection method: clinical testing. Allele origin: germline. Affected: yes. Observed: 6 variant alleles.
Comment: WDR62: BP4, BP7

Labcorp Genetics (formerly Invitae), Labcorp
Classification: Benign. Last evaluated: 2025-11-04. Review status: criteria provided, single submitter. Criteria: Invitae Variant Classification Sherloc (09022015). Collection method: clinical testing. Allele origin: germline.

Mayo Clinic Laboratories, Mayo Clinic
Classification: Likely benign. Last evaluated: 2025-05-16. Review status: criteria provided, single submitter. Criteria: ACMG Guidelines, 2015. Collection method: clinical testing. Allele origin: germline. Observed: 3 variant alleles.

Athena Diagnostics
Classification: Benign. Last evaluated: 2025-05-09. Review status: criteria provided, single submitter. Criteria: Athena Diagnostics Criteria. Collection method: clinical testing. Allele origin: unknown.
Comment: The frequency of this variant in the general population is higher than would generally be expected for pathogenic variants in this gene. Computational tools yielded predictions that this variant is unlikely to have an effect on normal RNA splicing. This nucleotide position exhibits low evolutionary conservation.

Blueprint Genetics
Classification: Likely benign. Last evaluated: 2024-11-22. Review status: criteria provided, single submitter. Criteria: ACMG Guidelines, 2015. Collection method: clinical testing. Allele origin: germline.

GeneDx
Classification: Likely benign. Last evaluated: 2020-12-08. Review status: criteria provided, single submitter. Criteria: GeneDx Variant Classification Process June 2021. Collection method: clinical testing. Allele origin: germline. Affected: yes.

Genetic Services Laboratory, University of Chicago
Classification: Likely benign. Last evaluated: 2019-03-05. Review status: criteria provided, single submitter. Criteria: ACMG Guidelines, 2015. Collection method: clinical testing. Allele origin: germline. Affected: no.

Illumina Laboratory Services, Illumina
Classification: Uncertain significance for Microcephaly 2, primary, autosomal recessive, with or without cortical malformations. Last evaluated: 2018-01-12. Review status: criteria provided, single submitter. Criteria: ICSL Variant Classification Criteria 13 December 2019. Collection method: clinical testing. Allele origin: germline.

Eurofins Ntd Llc (ga)
Classification: Uncertain significance. Last evaluated: 2014-07-15. Review status: criteria provided, single submitter. Criteria: EGL Classification Definitions 2015. Collection method: clinical testing. Allele origin: germline. Observed: 2 variant alleles, 2 heterozygotes.

Dr. Peter K. Rogan Lab, Western University
No classification provided (evidence only). Condition: Ovarian serous cystadenocarcinoma. Review status: no classification provided. Collection method: in vitro. Allele origin: not applicable. Functional consequence: retained intron. Not counted in ClinVar's aggregate classification.

Dr. Peter K. Rogan Lab, Western University
No classification provided (evidence only). Condition: Malignant tumor of esophagus. Review status: no classification provided. Collection method: in vitro. Allele origin: not applicable. Functional consequence: retained intron. Not counted in ClinVar's aggregate classification.